The following is an entry in ClinVar:

ClinVar aggregate classification (germline): Likely benign. Review status: criteria provided, multiple submitters, no conflicts (2 of 4 stars). 3 submissions from 3 submitters: Likely benign (3). Last evaluated 2025-10-04.

Conditions:
Carnitine palmitoyltransferase II deficiency. Also called: Carnitine Palmitoyltransferase 2 Deficiency. Identifiers: Orphanet 157, MedGen C0342790, MONDO:0015515.

Allele frequency attached by ClinVar (database versions not stated): TOPMed 0.00001; gnomAD 0.00002 and 0.00003; gnomAD exomes 0.00002 and 0.00004; ExAC 0.00004.

Submissions (3):

Labcorp Genetics (formerly Invitae), Labcorp
Classification: Likely benign for Carnitine palmitoyltransferase II deficiency. Last evaluated: 2025-10-04. Review status: criteria provided, single submitter. Criteria: Invitae Variant Classification Sherloc (09022015). Collection method: clinical testing. Allele origin: germline.

Mayo Clinic Laboratories, Mayo Clinic
Classification: Likely benign. Last evaluated: 2024-12-07. Review status: criteria provided, single submitter. Criteria: ACMG Guidelines, 2015. Collection method: clinical testing. Allele origin: germline. Observed: 2 variant alleles.
Comment: BP4, BP7

Blueprint Genetics
Classification: Likely benign. Last evaluated: 2024-10-21. Review status: criteria provided, single submitter. Criteria: ACMG Guidelines, 2015. Collection method: clinical testing. Allele origin: germline.

NM_000098.3(CPT2):c.1392C>T (p.Asp464=)

Gene: CPT2 (carnitine palmitoyltransferase 2; plus strand). Cytogenetic location: 1p32.3.
Variant type: single nucleotide variant.
Coding change: c.1392C>T on transcript NM_000098.3 (MANE Select); coding-DNA position 1392, C replaced by T.
Protein change: p.Asp464=; no amino-acid change (aspartic acid 464 retained).
Molecular consequence: synonymous variant.
Genome position (GRCh38, 1-based): chr1:53,211,066, C>T. VCF-style: chr1-53211066-C-T. GRCh37 (hg19) VCF-style: chr1-53676738-C-T.
Other names: p.Asp464=; c.1392C>T, p.Asp464= (NM_001330589.2).
Identifiers: ClinVar variation 728394 (VCV000728394.12), dbSNP rs201681645, ClinGen allele CA859188.